The following is an entry in ClinVar:

NM_003737.4(DCHS1):c.8044C>G (p.Pro2682Ala)

Gene: DCHS1 (dachsous cadherin-related 1; minus strand). Cytogenetic location: 11p15.4.
Variant type: single nucleotide variant.
Coding change: c.8044C>G on transcript NM_003737.4 (MANE Select); coding-DNA position 8044, C replaced by G.
Protein change: p.Pro2682Ala; replaces proline 2682 with alanine.
Molecular consequence: missense variant.
Genome position (GRCh38, 1-based): chr11:6,623,632, G>C on the plus strand (C>G on the coding strand, the complement: DCHS1 is on the minus strand). VCF-style: chr11-6623632-G-C. GRCh37 (hg19) VCF-style: chr11-6644863-G-C.
Other names: c.8044C>G (NM_003737.2); short protein forms P2682A.
Identifiers: ClinVar variation 2209140 (VCV002209140.8), dbSNP rs759657034, ClinGen allele CA5859492.
Genomic context (GRCh38, chr11:6,623,632, plus strand): 5'-GATCATTCACATCCTGGACCTCAATTGTCACTGGTGCCAAAGCAAAGTGTGCACCAGCAG[G>C]GTCAGCAGCCTGTACTACAAGCTGATGTCGAGCCTGGGTCTCACAGTCCAGGGCATGGGC-3'
Protein context (NP_003728.1, residues 2672-2692): RHQLVVQAAD[Pro2682Ala]AGAHFALAPV

ClinVar aggregate classification (germline): Uncertain significance. Review status: criteria provided, multiple submitters, no conflicts (2 of 4 stars). 3 submissions from 3 submitters: Uncertain significance (3). Last evaluated 2026-08-01.

Conditions:
Inborn genetic diseases. Identifiers: MedGen C0950123, MeSH D030342.

Allele frequency attached by ClinVar (database versions not stated): gnomAD exomes 0.00001; ExAC 0.00002; TOPMed 0.00002.
gnomAD v4.1: 20 of 1,613,664 alleles (0.0012%); highest among the groups gnomAD compares: Admixed American, 0.0017%; no homozygotes.

Submissions (3):

CeGaT Center for Human Genetics Tuebingen
Classification: Uncertain significance. Last evaluated: 2026-08-01. Review status: criteria provided, single submitter. Criteria: CeGaT Center For Human Genetics Tuebingen Variant Classification Criteria Version 2. Collection method: clinical testing. Allele origin: germline. Affected: yes. Observed: 1 variant allele.
Comment: DCHS1: PM2, BP4

Labcorp Genetics (formerly Invitae), Labcorp
Classification: Uncertain significance. Last evaluated: 2025-06-30. Review status: criteria provided, single submitter. Criteria: Invitae Variant Classification Sherloc (09022015). Collection method: clinical testing. Allele origin: germline.
Comment: This sequence change replaces proline, which is neutral and non-polar, with alanine, which is neutral and non-polar, at codon 2682 of the DCHS1 protein (p.Pro2682Ala). This variant is present in population databases (rs759657034, gnomAD 0.003%). This variant has not been reported in the literature in individuals affected with DCHS1-related conditions. ClinVar contains an entry for this variant (Variation ID: 2209140). Invitae Evidence Modeling of protein sequence and biophysical properties (such as structural, functional, and spatial information, amino acid conservation, physicochemical variation, residue mobility, and thermodynamic stability) indicates that this missense variant is expected to disrupt DCHS1 protein function with a positive predictive value of 80%. In summary, the available evidence is currently insufficient to determine the role of this variant in disease. Therefore, it has been classified as a Variant of Uncertain Significance.

Ambry Genetics
Classification: Uncertain significance for Inborn genetic diseases. Last evaluated: 2022-07-19. Review status: criteria provided, single submitter. Criteria: Ambry Variant Classification Scheme 2023. Collection method: clinical testing. Allele origin: germline.